The following is an entry in ClinVar:

NM_003937.3(KYNU):c.1249G>T (p.Glu417Ter)

Gene: KYNU (kynureninase; plus strand). Cytogenetic location: 2q22.2.
Variant type: single nucleotide variant.
Coding change: c.1249G>T on transcript NM_003937.3 (MANE Select); coding-DNA position 1249, G replaced by T.
Protein change: p.Glu417Ter; replaces glutamic acid 417 with a stop codon.
Molecular consequence: nonsense.
Genome position (GRCh38, 1-based): chr2:143,040,635, G>T. VCF-style: chr2-143040635-G-T. GRCh37 (hg19) VCF-style: chr2-143798204-G-T.
Other names: c.1249G>T, p.Glu417Ter (NM_001199241.2); short protein forms E417*.
Identifiers: ClinVar variation 4885389 (VCV004885389.2).

ClinVar aggregate classification (germline): Uncertain significance (1 of 4 stars; one submission).

gnomAD v4.1: 1 of 1,602,546 alleles (0.000062%); highest among the groups gnomAD compares: Admixed American, 0.0017%; no homozygotes.

Submission:

Dasa
Classification: Uncertain significance. Last evaluated: 2025-09-01. Review status: criteria provided, single submitter. Criteria: DASA Assertion Criteria. Collection method: clinical testing. Allele origin: germline.
Comment: NM_003937.3(KYNU):c.1249G>T (p.Glu417*) is a nonsense variant in KYNU predicted to introduce a premature termination codon and is predicted to result in an absent or altered protein product. This variant is rare in population databases. The currently available literature and clinical evidence are not sufficient to establish a definitive association between this variant and the reported condition. Therefore, this variant is classified as a variant of uncertain significance.